The following is an entry in ClinVar:

ClinVar aggregate classification (germline): Uncertain significance (1 of 4 stars; one submission).

Conditions:
Febrile seizures, familial, 8 (FEB8). Also called: CONVULSIONS, FAMILIAL FEBRILE, 8. Identifiers: Orphanet 36387, MedGen C1969810, MONDO:0011891, OMIM 607681.
EPILEPSY, CHILDHOOD ABSENCE, SUSCEPTIBILITY TO, 2 (ECA2). Identifiers: Orphanet 64280, MedGen C1843244, OMIM 607681.

Allele frequency attached by ClinVar (database versions not stated): gnomAD exomes below 0.00001.

Submission:

Labcorp Genetics (formerly Invitae), Labcorp
Classification: Uncertain significance for Febrile seizures, familial, 8; EPILEPSY, CHILDHOOD ABSENCE, SUSCEPTIBILITY TO, 2. Last evaluated: 2022-08-09. Review status: criteria provided, single submitter. Criteria: Invitae Variant Classification Sherloc (09022015). Collection method: clinical testing. Allele origin: germline.
Comment: This variant has not been reported in the literature in individuals affected with GABRG2-related conditions. ClinVar contains an entry for this variant (Variation ID: 1515130). Advanced modeling of protein sequence and biophysical properties (such as structural, functional, and spatial information, amino acid conservation, physicochemical variation, residue mobility, and thermodynamic stability) performed at Invitae indicates that this missense variant is not expected to disrupt GABRG2 protein function. In summary, the available evidence is currently insufficient to determine the role of this variant in disease. Therefore, it has been classified as a Variant of Uncertain Significance. This variant is not present in population databases (gnomAD no frequency). This sequence change replaces leucine, which is neutral and non-polar, with phenylalanine, which is neutral and non-polar, at codon 29 of the GABRG2 protein (p.Leu29Phe).

NM_198904.4(GABRG2):c.85C>T (p.Leu29Phe)

Gene: GABRG2 (gamma-aminobutyric acid type A receptor subunit gamma2; plus strand). Cytogenetic location: 5q34.
Variant type: single nucleotide variant.
Coding change: c.85C>T on transcript NM_198904.4 (MANE Select); coding-DNA position 85, C replaced by T.
Protein change: p.Leu29Phe; replaces leucine 29 with phenylalanine.
Molecular consequence: missense variant. On other transcripts: 5 prime UTR variant (3), intron variant (1).
Genome position (GRCh38, 1-based): chr5:162,068,084, C>T. VCF-style: chr5-162068084-C-T. GRCh37 (hg19) VCF-style: chr5-161495090-C-T.
Other names: c.85C>T, p.Leu29Phe (NM_000816.3, NM_001375339.1, NM_001375340.1 and 5 more transcripts); c.19C>T, p.Leu7Phe (NM_001375345.1, NM_001375346.1); c.-274C>T (NM_001375348.1, NM_001375350.1); c.-322C>T (NM_001375349.1); c.20+443C>T (NM_001375347.1); short protein forms L29F, L7F.
Identifiers: ClinVar variation 1515130 (VCV001515130.6), dbSNP rs2113081191, ClinGen allele CA362181881.